The following is an entry in ClinVar:

ClinVar aggregate classification (germline): Uncertain significance. Review status: criteria provided, multiple submitters, no conflicts (2 of 4 stars). 2 submissions from 2 submitters: Uncertain significance (2). Last evaluated 2023-10-13.

Conditions:
Cardiovascular phenotype. Identifiers: MedGen CN230736.
Capillary malformation-arteriovenous malformation syndrome. Also called: Capillary malformation-arteriovenous malformation. Identifiers: Orphanet 137667, MedGen C1842180, MONDO:0012016.

gnomAD v4.1: 2 of 1,614,220 alleles (0.00012%); highest among the groups gnomAD compares: Non-Finnish European, 0.000085%; no homozygotes.

Submissions (2):

Labcorp Genetics (formerly Invitae), Labcorp
Classification: Uncertain significance for Capillary malformation-arteriovenous malformation syndrome. Last evaluated: 2023-10-13. Review status: criteria provided, single submitter. Criteria: Invitae Variant Classification Sherloc (09022015). Collection method: clinical testing. Allele origin: germline.
Comment: This sequence change replaces threonine, which is neutral and polar, with serine, which is neutral and polar, at codon 178 of the RASA1 protein (p.Thr178Ser). This variant is not present in population databases (gnomAD no frequency). This variant has not been reported in the literature in individuals affected with RASA1-related conditions. ClinVar contains an entry for this variant (Variation ID: 1432612). An algorithm developed to predict the effect of missense changes on protein structure and function (PolyPhen-2) suggests that this variant is likely to be tolerated. In summary, the available evidence is currently insufficient to determine the role of this variant in disease. Therefore, it has been classified as a Variant of Uncertain Significance.

Ambry Genetics
Classification: Uncertain significance for Cardiovascular phenotype. Last evaluated: 2019-06-03. Review status: criteria provided, single submitter. Criteria: Ambry Variant Classification Scheme 2023. Collection method: clinical testing. Allele origin: germline.
Comment: The p.T178S variant (also known as c.532A>T), located in coding exon 1 of the RASA1 gene, results from an A to T substitution at nucleotide position 532. The threonine at codon 178 is replaced by serine, an amino acid with similar properties. This amino acid position is well conserved in available vertebrate species. In addition, this alteration is predicted to be tolerated by in silico analysis. Since supporting evidence is limited at this time, the clinical significance of this alteration remains unclear.

NM_002890.3(RASA1):c.532A>T (p.Thr178Ser)

Gene: RASA1 (RAS p21 protein activator 1; plus strand). Cytogenetic location: 5q14.3.
Variant type: single nucleotide variant.
Coding change: c.532A>T on transcript NM_002890.3 (MANE Select); coding-DNA position 532, A replaced by T.
Protein change: p.Thr178Ser; replaces threonine 178 with serine.
Molecular consequence: missense variant. On other transcripts: 5 prime UTR variant (1).
Genome position (GRCh38, 1-based): chr5:87,268,983, A>T. VCF-style: chr5-87268983-A-T. GRCh37 (hg19) VCF-style: chr5-86564800-A-T.
Other names: c.-65A>T (NM_022650.3); short protein forms T178S.
Identifiers: ClinVar variation 1432612 (VCV001432612.10), dbSNP rs150804394, ClinGen allele CA360417585.